The following is an entry in ClinVar:

NM_025137.4(SPG11):c.373T>C (p.Cys125Arg)

Gene: SPG11 (SPG11 vesicle trafficking associated, spatacsin; minus strand). Cytogenetic location: 15q21.1.
Variant type: single nucleotide variant.
Coding change: c.373T>C on transcript NM_025137.4 (MANE Select); coding-DNA position 373, T replaced by C.
Protein change: p.Cys125Arg; replaces cysteine 125 with arginine.
Molecular consequence: missense variant.
Genome position (GRCh38, 1-based): chr15:44,660,501, A>G on the plus strand (T>C on the coding strand, the complement: SPG11 is on the minus strand). VCF-style: chr15-44660501-A-G. GRCh37 (hg19) VCF-style: chr15-44952699-A-G.
Other names: c.373T>C, p.Cys125Arg (NM_001160227.2); short protein forms C125R.
Identifiers: ClinVar variation 1430469 (VCV001430469.5), dbSNP rs2141129973, ClinGen allele CA392238216.

ClinVar aggregate classification (germline): Uncertain significance (1 of 4 stars; one submission).

Conditions:
Hereditary spastic paraplegia 11. Also called: Nakamura Osame syndrome; Autosomal recessive hereditary spastic paraplegia, mental impairment, and thin corpus callosum; Spastic Paraplegia 11; Spastic paraplegia, mental retardation and thin corpus callosum; SPASTIC PARAPLEGIA, AUTOSOMAL RECESSIVE, COMPLICATED, WITH THIN CORPUS CALLOSUM; SPASTIC PARAPLEGIA, AUTOSOMAL RECESSIVE, WITH MENTAL IMPAIRMENT AND THIN CORPUS CALLOSUM. Identifiers: Orphanet 2822, MedGen C1858479, MONDO:0011445, OMIM 604360.

Submission:

Labcorp Genetics (formerly Invitae), Labcorp
Classification: Uncertain significance for Hereditary spastic paraplegia 11. Last evaluated: 2021-09-01. Review status: criteria provided, single submitter. Criteria: Invitae Variant Classification Sherloc (09022015). Collection method: clinical testing. Allele origin: germline.
Comment: This sequence change replaces cysteine with arginine at codon 125 of the SPG11 protein (p.Cys125Arg). The cysteine residue is moderately conserved and there is a large physicochemical difference between cysteine and arginine. This variant is not present in population databases (ExAC no frequency). This variant has not been reported in the literature in individuals affected with SPG11-related conditions. Algorithms developed to predict the effect of missense changes on protein structure and function are either unavailable or do not agree on the potential impact of this missense change (SIFT: "Deleterious"; PolyPhen-2: "Probably Damaging"; Align-GVGD: "Class C0"). In summary, the available evidence is currently insufficient to determine the role of this variant in disease. Therefore, it has been classified as a Variant of Uncertain Significance.